The following is an entry in ClinVar:

NM_012281.3(KCND2):c.1295G>T (p.Arg432Met)

Gene: KCND2 (potassium voltage-gated channel subfamily D member 2; plus strand). Cytogenetic location: 7q31.31.
Variant type: single nucleotide variant.
Coding change: c.1295G>T on transcript NM_012281.3 (MANE Select); coding-DNA position 1295, G replaced by T.
Protein change: p.Arg432Met; replaces arginine 432 with methionine.
Molecular consequence: missense variant.
Genome position (GRCh38, 1-based): chr7:120,741,550, G>T. VCF-style: chr7-120741550-G-T. GRCh37 (hg19) VCF-style: chr7-120381604-G-T.
Other names: short protein forms R432M.
Identifiers: ClinVar variation 1804236 (VCV001804236.1), dbSNP rs2485207006, ClinGen allele CA369134380.

ClinVar aggregate classification (germline): Uncertain significance (1 of 4 stars; one submission).

Submission:

GeneDx
Classification: Uncertain significance. Last evaluated: 2022-06-16. Review status: criteria provided, single submitter. Criteria: GeneDx Variant Classification Process June 2021. Collection method: clinical testing. Allele origin: germline. Affected: yes.
Comment: Not observed at significant frequency in large population cohorts (gnomAD); In silico analysis supports that this missense variant has a deleterious effect on protein structure/function; Has not been previously published as pathogenic or benign to our knowledge; This variant is associated with the following publications: (PMID: 14645239)